The following is an entry in ClinVar:

NM_001040108.2(MLH3):c.524T>A (p.Ile175Lys)

Gene: MLH3 (mutL homolog 3; minus strand). Cytogenetic location: 14q24.3.
Variant type: single nucleotide variant.
Coding change: c.524T>A on transcript NM_001040108.2 (MANE Select); coding-DNA position 524, T replaced by A.
Protein change: p.Ile175Lys; replaces isoleucine 175 with lysine.
Molecular consequence: missense variant.
Genome position (GRCh38, 1-based): chr14:75,049,132, A>T on the plus strand (T>A on the coding strand, the complement: MLH3 is on the minus strand). VCF-style: chr14-75049132-A-T. GRCh37 (hg19) VCF-style: chr14-75515835-A-T.
Other names: c.524T>A, p.Ile175Lys (NM_014381.3); short protein forms I175K.
Identifiers: ClinVar variation 1746354 (VCV001746354.3), dbSNP rs1892484159, ClinGen allele CA390449972.

ClinVar aggregate classification (germline): Uncertain significance (1 of 4 stars; one submission).

gnomAD v4.1: 2 of 1,614,184 alleles (0.00012%); highest among the groups gnomAD compares: Non-Finnish European, 0.00017%; no homozygotes.

Submission:

Ambry Genetics
Classification: Uncertain significance. Last evaluated: 2024-12-21. Review status: criteria provided, single submitter. Criteria: Ambry Variant Classification Scheme 2023. Collection method: clinical testing. Allele origin: germline.
Comment: The p.I175K variant (also known as c.524T>A), located in coding exon 1 of the MLH3 gene, results from a T to A substitution at nucleotide position 524. The isoleucine at codon 175 is replaced by lysine, an amino acid with dissimilar properties. This amino acid position is conserved. In addition, this alteration is predicted to be deleterious by in silico analysis. Since supporting evidence is limited at this time, the clinical significance of this alteration remains unclear.